The following is an entry in ClinVar:

NM_016335.6(PRODH):c.824C>A (p.Thr275Asn)

Gene: PRODH (proline dehydrogenase 1; minus strand). Cytogenetic location: 22q11.21.
Variant type: single nucleotide variant.
Coding change: c.824C>A on transcript NM_016335.6 (MANE Select); coding-DNA position 824, C replaced by A.
Protein change: p.Thr275Asn; replaces threonine 275 with asparagine.
Molecular consequence: missense variant.
Genome position (GRCh38, 1-based): chr22:18,922,842, G>T on the plus strand (C>A on the coding strand, the complement: PRODH is on the minus strand). VCF-style: chr22-18922842-G-T. GRCh37 (hg19) VCF-style: chr22-18910355-G-T.
Other names: c.500C>A, p.Thr167Asn (NM_001195226.2); short protein forms T167N, T275N.
Identifiers: ClinVar variation 1168805 (VCV001168805.14), dbSNP rs5747933, ClinGen allele CA10095233.

ClinVar aggregate classification (germline): Benign/Likely benign. Review status: criteria provided, multiple submitters, no conflicts (2 of 4 stars). 5 submissions from 5 submitters: Benign (3); Likely benign (2). Last evaluated 2026-03-23.

Conditions:
Inborn genetic diseases. Identifiers: MedGen C0950123, MeSH D030342.
Proline dehydrogenase deficiency (HYRPRO1). Also called: PROLINE OXIDASE DEFICIENCY; Hyperprolinemia type 1. Identifiers: Orphanet 419, MedGen C0268529, MONDO:0009400, OMIM 239500.

Allele frequency attached by ClinVar (database versions not stated): ESP Exome Variant Server 0.03329; 1000 Genomes Project 0.07208.

Submissions (5):

Ambry Genetics
Classification: Likely benign for Inborn genetic diseases. Last evaluated: 2026-03-23. Review status: criteria provided, single submitter. Criteria: Ambry Variant Classification Scheme 2023. Collection method: clinical testing. Allele origin: germline.

Labcorp Genetics (formerly Invitae), Labcorp
Classification: Benign for Proline dehydrogenase deficiency. Last evaluated: 2026-02-02. Review status: criteria provided, single submitter. Criteria: Invitae Variant Classification Sherloc (09022015). Collection method: clinical testing. Allele origin: germline.

Blueprint Genetics
Classification: Likely benign. Last evaluated: 2024-11-28. Review status: criteria provided, single submitter. Criteria: ACMG Guidelines, 2015. Collection method: clinical testing. Allele origin: germline.

GeneDx
Classification: Benign. Last evaluated: 2021-06-09. Review status: criteria provided, single submitter. Criteria: GeneDx Variant Classification Process June 2021. Collection method: clinical testing. Allele origin: germline. Affected: yes.
Comment: This variant is associated with the following publications: (PMID: 20524212, 25525159, 25569235)

Breakthrough Genomics
Classification: Benign. Review status: criteria provided, single submitter. Criteria: ACMG Guidelines, 2015. Collection method: not provided. Allele origin: germline. Inheritance: Autosomal dominant inheritance. Affected: yes.